The following is an entry in ClinVar:

ClinVar aggregate classification (germline): Benign/Likely benign. Review status: criteria provided, multiple submitters, no conflicts (2 of 4 stars). 4 submissions from 4 submitters: Benign (1); Likely benign (2). 1 of the submissions does not count toward it. Last evaluated 2026-01-20.

Conditions:
EARS2-related disorder. Also called: EARS2-related condition; EARS2-related disorders.

Allele frequency attached by ClinVar (database versions not stated): 1000 Genomes Project 30x 0.00016; 1000 Genomes Project 0.00020; gnomAD 0.00043 and 0.00046; TOPMed 0.00050; ESP Exome Variant Server 0.00071.
gnomAD v4.1: 136 of 1,612,832 alleles (0.0084%); highest among the groups gnomAD compares: African/African-American, 0.15%; 1 homozygote.

Submissions (4):

Labcorp Genetics (formerly Invitae), Labcorp
Classification: Benign. Last evaluated: 2026-01-20. Review status: criteria provided, single submitter. Criteria: Invitae Variant Classification Sherloc (09022015). Collection method: clinical testing. Allele origin: germline.

Blueprint Genetics
Classification: Likely benign. Last evaluated: 2022-10-20. Review status: criteria provided, single submitter. Criteria: ACMG Guidelines, 2015. Collection method: clinical testing. Allele origin: germline.

GeneDx
Classification: Likely benign. Last evaluated: 2021-03-01. Review status: criteria provided, single submitter. Criteria: GeneDx Variant Classification Process June 2021. Collection method: clinical testing. Allele origin: germline. Affected: yes.

PreventionGenetics, part of Exact Sciences
Classification: Likely benign for EARS2-related condition. Last evaluated: 2020-01-15. Review status: no assertion criteria provided. Collection method: clinical testing. Allele origin: germline. Not counted in ClinVar's aggregate classification.
Comment: This variant is classified as likely benign based on ACMG/AMP sequence variant interpretation guidelines (Richards et al. 2015 PMID: 25741868, with internal and published modifications).

NM_001083614.2(EARS2):c.861G>A (p.Lys287=)

Gene: EARS2 (glutamyl-tRNA synthetase 2, mitochondrial; minus strand). Cytogenetic location: 16p12.2.
Variant type: single nucleotide variant.
Coding change: c.861G>A on transcript NM_001083614.2 (MANE Select); coding-DNA position 861, G replaced by A.
Protein change: p.Lys287=; no amino-acid change (lysine 287 retained).
Molecular consequence: synonymous variant. On other transcripts: non-coding transcript variant (1).
Genome position (GRCh38, 1-based): chr16:23,534,985, C>T on the plus strand (G>A on the coding strand, the complement: EARS2 is on the minus strand). VCF-style: chr16-23534985-C-T. GRCh37 (hg19) VCF-style: chr16-23546306-C-T.
Other names: c.861G>A, p.Lys287= (NM_001308211.1).
Identifiers: ClinVar variation 734938 (VCV000734938.15), dbSNP rs200580645, ClinGen allele CA7962491.
Genomic context (GRCh38, chr16:23,534,985, plus strand): 5'-CAAGGAATCGGGCAGGAAGCCATCAGCAGCAAAGTGCTCCAGGAAAACGTCCCCTTGCCT[C>T]TTGGAGAGCTTGCTGCCATCCCTGTTGAGGAGCAGGGGCAGGTGGGCGAAGTGGGGTGGC-3'
Protein context (NP_001077083.1, residues 277-297): LLNRDGSKLS[Lys287=]RQGDVFLEHF